The following is an entry in ClinVar:

NM_052957.5(GCNA):c.438A>G (p.Ser146=)

Gene: GCNA (germ cell nuclear acidic peptidase; plus strand). Cytogenetic location: Xq13.1.
Variant type: single nucleotide variant.
Coding change: c.438A>G on transcript NM_052957.5 (MANE Select); coding-DNA position 438, A replaced by G.
Protein change: p.Ser146=; no amino-acid change (serine 146 retained).
Molecular consequence: synonymous variant.
Genome position (GRCh38, 1-based): chrX:71,603,715, A>G. VCF-style: chrX-71603715-A-G. GRCh37 (hg19) VCF-style: chrX-70823565-A-G.
Identifiers: ClinVar variation 3024732 (VCV003024732.22), dbSNP rs748673299, ClinGen allele CA10448039.

ClinVar aggregate classification (germline): Likely benign (1 of 4 stars; one submission).

Allele frequency attached by ClinVar (database versions not stated): gnomAD exomes 0.00002; ExAC 0.00014.

Submission:

CeGaT Center for Human Genetics Tuebingen
Classification: Likely benign. Last evaluated: 2023-12-01. Review status: criteria provided, single submitter. Criteria: CeGaT Center For Human Genetics Tuebingen Variant Classification Criteria Version 2. Collection method: clinical testing. Allele origin: germline. Affected: yes. Observed: 1 variant allele.
Comment: GCNA: BP4, BP7, BS2